The following is an entry in ClinVar:

NM_001242896.3(DEPDC5):c.2780_2781delinsTC (p.Ser927Phe)

Gene: DEPDC5 (DEP domain containing 5, GATOR1 subcomplex subunit; plus strand). Cytogenetic location: 22q12.3.
Variant type: Indel.
Coding change: c.2780_2781delinsTC on transcript NM_001242896.3 (MANE Select); coding-DNA positions 2780 to 2781, CT replaced by TC.
Protein change: p.Ser927Phe; replaces serine 927 with phenylalanine.
Molecular consequence: missense variant. On other transcripts: non-coding transcript variant (5).
Genome position (GRCh38, 1-based): chr22:31,843,791-31,843,792, CT replaced by TC. VCF-style: chr22-31843791-CT-TC. GRCh37 (hg19) VCF-style: chr22-32239777-CT-TC.
Other names: c.2753_2754delinsTC, p.Ser918Phe (NM_001136029.4, NM_001369903.1, NM_014662.6); c.2546_2547delinsTC, p.Ser849Phe (NM_001242897.2, NM_001363854.2, NM_001364319.2); c.2780_2781delinsTC, p.Ser927Phe (NM_001363852.2, NM_001364318.2, NM_001364320.2); c.2696_2697delinsTC, p.Ser899Phe (NM_001369901.1, NM_001369902.1); short protein forms S849F, S899F, S918F, S927F.
Identifiers: ClinVar variation 3345203 (VCV003345203.1).
Genomic context (GRCh38, chr22:31,843,791, plus strand): 5'-AATTCTCCCACGAACGGCTGGAGGAGTACAAGTGGAATTACTTAGATCAGTATATCTGTT[CT>TC]GCCGGCTCTGAAGACTTCAGGTCAGAGAGTGGGCTTTGGATTTCCATCTTTGCATCCTTG-3'
Protein context (NP_001229825.1, residues 917-937): KWNYLDQYIC[Ser927Phe]AGSEDFSLIE

ClinVar aggregate classification (germline): Uncertain significance (0 of 4 stars; one submission).

Conditions:
DEPDC5-related disorder. Also called: DEPDC5-related condition; DEPDC5-related related disorder.

Submission:

PreventionGenetics, part of Exact Sciences
Classification: Uncertain significance for DEPDC5-related condition. Last evaluated: 2024-06-26. Review status: no assertion criteria provided. Collection method: clinical testing. Allele origin: germline.
Comment: The DEPDC5 c.2780_2781delinsTC variant is predicted to result in an in-frame deletion and insertion. To our knowledge, this variant has not been reported in the literature or in a large population database, indicating this variant is rare. At this time, the clinical significance of this variant is uncertain due to the absence of conclusive functional and genetic evidence.